The following is an entry in ClinVar:

NM_021232.1(PRODH2):c.72C>T (p.Thr24=)

Gene: PRODH2 (proline dehydrogenase 2; minus strand). Cytogenetic location: 19q13.12.
Variant type: single nucleotide variant.
Coding change: c.72C>T on transcript NM_021232.1; coding-DNA position 72, C replaced by T.
Protein change: p.Thr24=; no amino-acid change (threonine 24 retained).
Genome position (GRCh38, 1-based): chr19:35,813,210, G>A on the plus strand (C>T on the coding strand, the complement: PRODH2 is on the minus strand). VCF-style: chr19-35813210-G-A. GRCh37 (hg19) VCF-style: chr19-36304112-G-A.
Identifiers: ClinVar variation 3041011 (VCV003041011.2), dbSNP rs769056352, ClinGen allele CA9389626.

ClinVar aggregate classification (germline): Likely benign (0 of 4 stars; one submission).

Conditions:
PRODH2-related disorder. Also called: PRODH2-related condition.

Allele frequency attached by ClinVar (database versions not stated): gnomAD 0.00001; ExAC 0.00007; TOPMed 0.00002.

Submission:

PreventionGenetics, part of Exact Sciences
Classification: Likely benign for PRODH2-related condition. Last evaluated: 2019-09-23. Review status: no assertion criteria provided. Collection method: clinical testing. Allele origin: germline.
Comment: This variant is classified as likely benign based on ACMG/AMP sequence variant interpretation guidelines (Richards et al. 2015 PMID: 25741868, with internal and published modifications).